The following is an entry in ClinVar:

ClinVar aggregate classification (germline): Uncertain significance (1 of 4 stars; one submission).

Allele frequency attached by ClinVar (database versions not stated): TOPMed 0.00001.
gnomAD v4.1: 8 of 1,613,802 alleles (0.0005%); highest among the groups gnomAD compares: African/African-American, 0.0013%; no homozygotes.

Submission:

Labcorp Genetics (formerly Invitae), Labcorp
Classification: Uncertain significance. Last evaluated: 2022-02-10. Review status: criteria provided, single submitter. Criteria: Invitae Variant Classification Sherloc (09022015). Collection method: clinical testing. Allele origin: germline.
Comment: This sequence change replaces serine, which is neutral and polar, with alanine, which is neutral and non-polar, at codon 774 of the ARHGEF18 protein (p.Ser774Ala). This variant is not present in population databases (gnomAD no frequency). This variant has not been reported in the literature in individuals affected with ARHGEF18-related conditions. Algorithms developed to predict the effect of missense changes on protein structure and function (SIFT, PolyPhen-2, Align-GVGD) all suggest that this variant is likely to be tolerated. In summary, the available evidence is currently insufficient to determine the role of this variant in disease. Therefore, it has been classified as a Variant of Uncertain Significance.

NM_001367823.1(ARHGEF18):c.2884T>G (p.Ser962Ala)

Gene: ARHGEF18 (Rho/Rac guanine nucleotide exchange factor 18; plus strand). Cytogenetic location: 19p13.2.
Variant type: single nucleotide variant.
Coding change: c.2884T>G on transcript NM_001367823.1 (MANE Select); coding-DNA position 2884, T replaced by G.
Protein change: p.Ser962Ala; replaces serine 962 with alanine.
Molecular consequence: missense variant.
Genome position (GRCh38, 1-based): chr19:7,464,670, T>G. VCF-style: chr19-7464670-T-G. GRCh37 (hg19) VCF-style: chr19-7529556-T-G.
Other names: c.2158T>G, p.Ser720Ala (NM_001130955.2); c.1846T>G, p.Ser616Ala (NM_001367824.1, NM_015318.4); short protein forms S962A, S616A, S720A.
Identifiers: ClinVar variation 2096114 (VCV002096114.1), dbSNP rs1267940785, ClinGen allele CA403083547.